The following is an entry in ClinVar:

ClinVar aggregate classification (germline): Conflicting classifications of pathogenicity. Review status: criteria provided, conflicting classifications (1 of 4 stars). 4 submissions from 4 submitters: Uncertain significance (2); Likely benign (2). Last evaluated 2026-01-24.

Conditions:
Inborn genetic diseases. Identifiers: MedGen C0950123, MeSH D030342.
TH-deficient dopa-responsive dystonia. Also called: Tyrosine Hydroxylase-Deficient Dopa-Responsive Dystonia; Segawa syndrome, autosomal recessive; DYT-TH. Identifiers: Orphanet 101150, MedGen C2673535, MONDO:0011551, OMIM 605407.

Allele frequency attached by ClinVar (database versions not stated): gnomAD 0.00007 and 0.00006; 1000 Genomes Project 30x 0.00016; 1000 Genomes Project 0.00020; gnomAD exomes 0.00003; TOPMed 0.00006.
gnomAD v4.1: 57 of 1,613,370 alleles (0.0035%); highest among the groups gnomAD compares: African/African-American, 0.025%; no homozygotes.

Submissions (4):

Labcorp Genetics (formerly Invitae), Labcorp
Classification: Likely benign for TH-deficient dopa-responsive dystonia. Last evaluated: 2026-01-24. Review status: criteria provided, single submitter. Criteria: Invitae Variant Classification Sherloc (09022015). Collection method: clinical testing. Allele origin: germline.

Ambry Genetics
Classification: Likely benign for Inborn genetic diseases. Last evaluated: 2025-12-15. Review status: criteria provided, single submitter. Criteria: Ambry Variant Classification Scheme 2023. Collection method: clinical testing. Allele origin: germline.

GeneDx
Classification: Uncertain significance. Last evaluated: 2025-11-17. Review status: criteria provided, single submitter. Criteria: GeneDx Variant Classification Process June 2021. Collection method: clinical testing. Allele origin: germline.
Comment: In silico analysis suggests that this missense variant does not alter protein structure/function; Has not been previously published as pathogenic or benign to our knowledge

CeGaT Center for Human Genetics Tuebingen
Classification: Uncertain significance. Last evaluated: 2024-06-01. Review status: criteria provided, single submitter. Criteria: CeGaT Center For Human Genetics Tuebingen Variant Classification Criteria Version 2. Collection method: clinical testing. Allele origin: germline. Affected: yes. Observed: 1 variant allele.
Comment: TH: PM2, BP4

NM_000360.4(TH):c.263C>T (p.Pro88Leu)

Gene: TH (tyrosine hydroxylase; minus strand). Cytogenetic location: 11p15.5.
Variant type: single nucleotide variant.
Coding change: c.263C>T on transcript NM_000360.4 (MANE Select); coding-DNA position 263, C replaced by T.
Protein change: p.Pro88Leu; replaces proline 88 with leucine.
Molecular consequence: missense variant.
Genome position (GRCh38, 1-based): chr11:2,169,699, G>A on the plus strand (C>T on the coding strand, the complement: TH is on the minus strand). VCF-style: chr11-2169699-G-A. GRCh37 (hg19) VCF-style: chr11-2190929-G-A.
Other names: c.356C>T, p.Pro119Leu (NM_199292.3); c.344C>T, p.Pro115Leu (NM_199293.3); c.356C>T (NM_199292.2); short protein forms P88L, P119L, P115L.
Identifiers: ClinVar variation 304083 (VCV000304083.30), dbSNP rs150260759, ClinGen allele CA5818746.